The following is an entry in ClinVar:

NM_000937.5(POLR2A):c.4395G>A (p.Pro1465=)

Genes: POLR2A (RNA polymerase II subunit A; plus strand), LOC126862482 (CDK7 strongly-dependent group 2 enhancer GRCh37_chr17:7414586-7415785; plus strand). Cytogenetic location: 17p13.1.
Variant type: single nucleotide variant.
Coding change: c.4395G>A on transcript NM_000937.5 (MANE Select); coding-DNA position 4395, G replaced by A.
Protein change: p.Pro1465=; no amino-acid change (proline 1465 retained).
Molecular consequence: synonymous variant.
Genome position (GRCh38, 1-based): chr17:7,512,247, G>A. VCF-style: chr17-7512247-G-A. GRCh37 (hg19) VCF-style: chr17-7415566-G-A.
Identifiers: ClinVar variation 2647356 (VCV002647356.24), dbSNP rs141988471, ClinGen allele CA8350261.

ClinVar aggregate classification (germline): Likely benign (1 of 4 stars; one submission).

Allele frequency attached by ClinVar (database versions not stated): TOPMed 0.00015; 1000 Genomes Project 30x 0.00016; 1000 Genomes Project 0.00020; ESP Exome Variant Server 0.00023; gnomAD 0.00027.

Submission:

CeGaT Center for Human Genetics Tuebingen
Classification: Likely benign. Last evaluated: 2025-08-01. Review status: criteria provided, single submitter. Criteria: CeGaT Center For Human Genetics Tuebingen Variant Classification Criteria Version 2. Collection method: clinical testing. Allele origin: germline. Affected: yes. Observed: 7 variant alleles.
Comment: POLR2A: BP4, BP7